The following is an entry in ClinVar:

NM_005228.5(EGFR):c.3313G>A (p.Val1105Met)

Gene: EGFR (epidermal growth factor receptor; plus strand). Cytogenetic location: 7p11.2.
Variant type: single nucleotide variant.
Coding change: c.3313G>A on transcript NM_005228.5 (MANE Select); coding-DNA position 3313, G replaced by A.
Protein change: p.Val1105Met; replaces valine 1105 with methionine.
Molecular consequence: missense variant.
Genome position (GRCh38, 1-based): chr7:55,205,297, G>A. VCF-style: chr7-55205297-G-A. GRCh37 (hg19) VCF-style: chr7-55272990-G-A.
Other names: c.3313G>A (NM_005228.3); c.3178G>A, p.Val1060Met (NM_001346899.2); c.3154G>A, p.Val1052Met (NM_001346900.2); c.2512G>A, p.Val838Met (NM_001346941.2); short protein forms V1052M, V1060M, V1105M, V838M.
Identifiers: ClinVar variation 1047470 (VCV001047470.9), dbSNP rs1583665277, ClinGen allele CA367584343.
Genomic context (GRCh38, chr7:55,205,297, plus strand): 5'-GATTTCTTTCCACTTTCAGAATACATAAACCAGTCCGTTCCCAAAAGGCCCGCTGGCTCT[G>A]TGCAGAATCCTGTCTATCACAATCAGCCTCTGAACCCCGCGCCCAGCAGAGACCCACACT-3'
Protein context (NP_005219.2, residues 1095-1115): QSVPKRPAGS[Val1105Met]QNPVYHNQPL

ClinVar aggregate classification (germline): Uncertain significance. Review status: criteria provided, multiple submitters, no conflicts (2 of 4 stars). 2 submissions from 2 submitters: Uncertain significance (2). Last evaluated 2025-08-20.

Conditions:
Hereditary cancer-predisposing syndrome. Also called: Hereditary Cancer Syndrome; Tumor predisposition; Hereditary neoplastic syndrome; Neoplastic Syndromes, Hereditary. Identifiers: Orphanet 140162, MedGen C0027672, MeSH D009386, MONDO:0015356.
EGFR-related lung cancer (EGFR). Identifiers: MedGen CN130014.

Allele frequency attached by ClinVar (database versions not stated): gnomAD exomes below 0.00001.
gnomAD v4.1: 3 of 1,612,832 alleles (0.00019%); highest among the groups gnomAD compares: Non-Finnish European, 0.00017%; no homozygotes.

Submissions (2):

Ambry Genetics
Classification: Uncertain significance for Hereditary cancer-predisposing syndrome. Last evaluated: 2025-08-20. Review status: criteria provided, single submitter. Criteria: Ambry Variant Classification Scheme 2023. Collection method: clinical testing. Allele origin: germline.
Comment: The p.V1105M variant (also known as c.3313G>A), located in coding exon 28 of the EGFR gene, results from a G to A substitution at nucleotide position 3313. The valine at codon 1105 is replaced by methionine, an amino acid with highly similar properties. This amino acid position is well conserved in available vertebrate species. In addition, this alteration is predicted to be tolerated by in silico analysis. Based on the available evidence, the clinical significance of this variant remains unclear.

Labcorp Genetics (formerly Invitae), Labcorp
Classification: Uncertain significance for EGFR-related lung cancer. Last evaluated: 2025-05-04. Review status: criteria provided, single submitter. Criteria: Invitae Variant Classification Sherloc (09022015). Collection method: clinical testing. Allele origin: germline.
Comment: This sequence change replaces valine, which is neutral and non-polar, with methionine, which is neutral and non-polar, at codon 1105 of the EGFR protein (p.Val1105Met). This variant is not present in population databases (gnomAD no frequency). This variant has not been reported in the literature in individuals affected with EGFR-related conditions. ClinVar contains an entry for this variant (Variation ID: 1047470). An algorithm developed to predict the effect of missense changes on protein structure and function (PolyPhen-2) suggests that this variant is likely to be tolerated. In summary, the available evidence is currently insufficient to determine the role of this variant in disease. Therefore, it has been classified as a Variant of Uncertain Significance.